The following is an entry in ClinVar:

ClinVar aggregate classification (germline): Pathogenic (1 of 4 stars; one submission).

Conditions:
Meckel syndrome, type 4 (MKS4). Also called: MECKEL-GRUBER SYNDROME, TYPE 4. Identifiers: Orphanet 564, MedGen C1970161, MONDO:0012626, OMIM 611134.
Joubert syndrome 5 (JBTS5). Identifiers: Orphanet 2318, MedGen C1857780, MONDO:0012432, OMIM 610188.

Submission:

Bioscientia Institut fuer Medizinische Diagnostik GmbH, Sonic Healthcare
Classification: Pathogenic for Joubert syndrome 5; Meckel syndrome, type 4. Last evaluated: 2025-03-04. Review status: criteria provided, single submitter. Criteria: ACMG Guidelines, 2015. Collection method: clinical testing. Allele origin: germline. Inheritance: Autosomal recessive inheritance. Affected: yes. Observed: 1 homozygote.
Comment: splice effect functionally confirmed; segregates with disease.

NM_025114.4(CEP290):c.2818-657T>G

Gene: CEP290 (centrosomal protein 290; minus strand). Cytogenetic location: 12q21.32.
Variant type: single nucleotide variant.
Coding change: c.2818-657T>G on transcript NM_025114.4 (MANE Select); 657 bases into the intron before coding-DNA position 2818, T replaced by G.
Molecular consequence: intron variant.
Genome position (GRCh38, 1-based): chr12:88,103,668, A>C on the plus strand (T>G on the coding strand, the complement: CEP290 is on the minus strand). VCF-style: chr12-88103668-A-C. GRCh37 (hg19) VCF-style: chr12-88497445-A-C.
Identifiers: ClinVar variation 3774377 (VCV003774377.2).